The following is an entry in ClinVar:

ClinVar aggregate classification (germline): Uncertain significance (1 of 4 stars; one submission).

Allele frequency attached by ClinVar (database versions not stated): gnomAD 0.00001.
gnomAD v4.1: 1 of 1,610,168 alleles (0.000062%); highest among the groups gnomAD compares: African/African-American, 0.0013%; no homozygotes.

Submission:

Labcorp Genetics (formerly Invitae), Labcorp
Classification: Uncertain significance. Last evaluated: 2025-04-02. Review status: criteria provided, single submitter. Criteria: Invitae Variant Classification Sherloc (09022015). Collection method: clinical testing. Allele origin: germline.
Comment: This sequence change replaces arginine, which is basic and polar, with glycine, which is neutral and non-polar, at codon 1079 of the RIMS1 protein (p.Arg1079Gly). This variant is present in population databases (no rsID available, gnomAD 0.01%). This variant has not been reported in the literature in individuals affected with RIMS1-related conditions. ClinVar contains an entry for this variant (Variation ID: 1490599). An algorithm developed to predict the effect of missense changes on protein structure and function (PolyPhen-2) suggests that this variant is likely to be tolerated. In summary, the available evidence is currently insufficient to determine the role of this variant in disease. Therefore, it has been classified as a Variant of Uncertain Significance.

NM_014989.7(RIMS1):c.3235A>G (p.Arg1079Gly)

Gene: RIMS1 (regulating synaptic membrane exocytosis 1; plus strand). Cytogenetic location: 6q13.
Variant type: single nucleotide variant.
Coding change: c.3235A>G on transcript NM_014989.7 (MANE Select); coding-DNA position 3235, A replaced by G.
Protein change: p.Arg1079Gly; replaces arginine 1079 with glycine.
Molecular consequence: missense variant. On other transcripts: intron variant (62).
Genome position (GRCh38, 1-based): chr6:72,265,430, A>G. VCF-style: chr6-72265430-A-G. GRCh37 (hg19) VCF-style: chr6-72975133-A-G.
Other names: c.1654A>G, p.Arg552Gly (NM_001350436.2); c.1470-530A>G (NM_001350428.2, NM_001350459.2, NM_001350424.2 and 1 more transcripts); c.1467-530A>G (NM_001350437.2, NM_001350430.2, NM_001350421.2 and 1 more transcripts); c.1616+378A>G (NM_001350458.2); c.1539-530A>G (NM_001350433.2, NM_001350446.2, NM_001350442.2 and 8 more transcripts); c.1538+4663A>G (NM_001350431.2); c.1476-530A>G (NM_001350457.2); c.1475+6319A>G (NM_001350460.2, NM_001350426.2, NM_001350429.2 and 1 more transcripts); and 14 more; short protein forms R552G, R1079G.
Identifiers: ClinVar variation 1490599 (VCV001490599.6), dbSNP rs1439060096, ClinGen allele CA364685730.
Genomic context (GRCh38, chr6:72,265,430, plus strand): 5'-TGTAATTTTAATTTGTGGAGCTCAATTCTGCCTGCACATACTAAGACCAAATCAGTGACT[A>G]GACAGGACATTTCCCTTCATCATGAATGCTTTAACTCAACAGTATTGAGATTTACTGATG-3'
Protein context (NP_055804.2, residues 1069-1089): PAHTKTKSVT[Arg1079Gly]QDISLHHECF